The following is an entry in ClinVar:

ClinVar aggregate classification (germline): Conflicting classifications of pathogenicity. Review status: criteria provided, conflicting classifications (1 of 4 stars). 5 submissions from 5 submitters: Uncertain significance (3); Likely benign (2). Last evaluated 2026-01-27.

Conditions:
Inborn genetic diseases. Identifiers: MedGen C0950123, MeSH D030342.

Allele frequency attached by ClinVar (database versions not stated): ExAC 0.00013; ESP Exome Variant Server 0.00015; gnomAD 0.00017 and 0.00019; gnomAD exomes 0.00023; TOPMed 0.00030; 1000 Genomes Project 0.00040; 1000 Genomes Project 30x 0.00047.
gnomAD v4.1: 314 of 1,613,738 alleles (0.019%); highest among the groups gnomAD compares: Admixed American, 0.083%; no homozygotes.

Submissions (5):

Labcorp Genetics (formerly Invitae), Labcorp
Classification: Likely benign. Last evaluated: 2026-01-27. Review status: criteria provided, single submitter. Criteria: Invitae Variant Classification Sherloc (09022015). Collection method: clinical testing. Allele origin: germline.

GeneDx
Classification: Uncertain significance. Last evaluated: 2025-03-18. Review status: criteria provided, single submitter. Criteria: GeneDx Variant Classification Process June 2021. Collection method: clinical testing. Allele origin: germline. Affected: yes.
Comment: Has not been previously published as pathogenic or benign to our knowledge; In silico analysis, which includes protein predictors and evolutionary conservation, supports a deleterious effect; In silico analysis is inconclusive as to whether the variant alters gene splicing. In the absence of RNA/functional studies, the actual effect of this sequence change is unknown.

Blueprint Genetics
Classification: Likely benign. Last evaluated: 2024-09-09. Review status: criteria provided, single submitter. Criteria: ACMG Guidelines, 2015. Collection method: clinical testing. Allele origin: germline.

Ambry Genetics
Classification: Uncertain significance for Inborn genetic diseases. Last evaluated: 2022-05-04. Review status: criteria provided, single submitter. Criteria: Ambry Variant Classification Scheme 2023. Collection method: clinical testing. Allele origin: germline.

Revvity Omics, Revvity
Classification: Uncertain significance. Last evaluated: 2020-03-30. Review status: criteria provided, single submitter. Criteria: ACMG Guidelines, 2015. Collection method: clinical testing. Allele origin: germline.

NM_001384732.1(CPLANE1):c.7883A>T (p.Glu2628Val)

Gene: CPLANE1 (ciliogenesis and planar polarity effector complex subunit 1; minus strand). Cytogenetic location: 5p13.2.
Variant type: single nucleotide variant.
Coding change: c.7883A>T on transcript NM_001384732.1 (MANE Select); coding-DNA position 7883, A replaced by T.
Protein change: p.Glu2628Val; replaces glutamic acid 2628 with valine.
Molecular consequence: missense variant.
Genome position (GRCh38, 1-based): chr5:37,157,798, T>A on the plus strand (A>T on the coding strand, the complement: CPLANE1 is on the minus strand). VCF-style: chr5-37157798-T-A. GRCh37 (hg19) VCF-style: chr5-37157900-T-A.
Other names: c.7829A>T, p.Glu2610Val (NM_023073.4); short protein forms E2610V, E2628V.
Identifiers: ClinVar variation 575398 (VCV000575398.17), dbSNP rs200930248, ClinGen allele CA3237921.